The following is an entry in ClinVar:

NM_014994.3(MAPKBP1):c.3528G>A (p.Lys1176=)

Gene: MAPKBP1 (mitogen-activated protein kinase binding protein 1; plus strand). Cytogenetic location: 15q15.1.
Variant type: single nucleotide variant.
Coding change: c.3528G>A on transcript NM_014994.3 (MANE Select); coding-DNA position 3528, G replaced by A.
Protein change: p.Lys1176=; no amino-acid change (lysine 1176 retained).
Molecular consequence: synonymous variant. On other transcripts: non-coding transcript variant (2), intron variant (1).
Genome position (GRCh38, 1-based): chr15:41,823,152, G>A. VCF-style: chr15-41823152-G-A. GRCh37 (hg19) VCF-style: chr15-42115350-G-A.
Other names: c.3546G>A, p.Lys1182= (NM_001128608.2); c.3382+146G>A (NM_001265611.2); c.3546G>A (NM_001128608.1).
Identifiers: ClinVar variation 2066508 (VCV002066508.5), dbSNP rs201801157, ClinGen allele CA7498596.

ClinVar aggregate classification (germline): Likely benign. Review status: criteria provided, multiple submitters, no conflicts (2 of 4 stars). 2 submissions from 2 submitters: Likely benign (2). Last evaluated 2025-10-26.

Conditions:
MAPKBP1-related disorder. Also called: MAPKBP1-related condition.

Allele frequency attached by ClinVar (database versions not stated): TOPMed 0.00002; gnomAD 0.00006; ExAC 0.00018; 1000 Genomes Project 30x 0.00047; 1000 Genomes Project 0.00060.
gnomAD v4.1: 122 of 1,613,644 alleles (0.0076%); highest among the groups gnomAD compares: East Asian, 0.27%; 2 homozygotes.

Submissions (2):

PreventionGenetics, part of Exact Sciences
Classification: Likely benign for MAPKBP1-related condition. Last evaluated: 2025-10-26. Review status: criteria provided, single submitter. Criteria: ACMG Guidelines, 2015. Collection method: clinical testing. Allele origin: germline.
Comment: This variant is classified as likely benign based on ACMG/AMP sequence variant interpretation guidelines (Richards et al. 2015 PMID: 25741868, with internal and published modifications).

Labcorp Genetics (formerly Invitae), Labcorp
Classification: Likely benign. Last evaluated: 2025-02-24. Review status: criteria provided, single submitter. Criteria: Invitae Variant Classification Sherloc (09022015). Collection method: clinical testing. Allele origin: germline.